The following is an entry in ClinVar:

NM_020774.4(MIB1):c.1607T>C (p.Ile536Thr)

Gene: MIB1 (MIB E3 ubiquitin protein ligase 1; plus strand). Cytogenetic location: 18q11.2.
Variant type: single nucleotide variant.
Coding change: c.1607T>C on transcript NM_020774.4 (MANE Select); coding-DNA position 1607, T replaced by C.
Protein change: p.Ile536Thr; replaces isoleucine 536 with threonine.
Molecular consequence: missense variant.
Genome position (GRCh38, 1-based): chr18:21,815,743, T>C. VCF-style: chr18-21815743-T-C. GRCh37 (hg19) VCF-style: chr18-19395704-T-C.
Other names: short protein forms I536T.
Identifiers: ClinVar variation 4849213 (VCV004849213.1).

ClinVar aggregate classification (germline): Uncertain significance (1 of 4 stars; one submission).

Conditions:
Left ventricular noncompaction 7 (LVNC7). Identifiers: Orphanet 54260, MedGen C3554496, MONDO:0014042, OMIM 615092.

Submission:

MVZ Medizinische Genetik Mainz
Classification: Uncertain significance for Left ventricular noncompaction 7. Last evaluated: 2026-03-18. Review status: criteria provided, single submitter. Criteria: UK Practice Guidelines For Variant Classification V4 01 2020. Collection method: clinical testing. Allele origin: germline. Inheritance: Autosomal dominant inheritance. Affected: yes. Observed: 1 variant allele.
Comment: ACMG Criteria: PM2_SUP,PP3